The following is an entry in ClinVar:

NM_005862.3(STAG1):c.1273C>T (p.Arg425Cys)

Gene: STAG1 (STAG1 cohesin complex component; minus strand). Cytogenetic location: 3q22.3.
Variant type: single nucleotide variant.
Coding change: c.1273C>T on transcript NM_005862.3 (MANE Select); coding-DNA position 1273, C replaced by T.
Protein change: p.Arg425Cys; replaces arginine 425 with cysteine.
Molecular consequence: missense variant.
Genome position (GRCh38, 1-based): chr3:136,464,921, G>A on the plus strand (C>T on the coding strand, the complement: STAG1 is on the minus strand). VCF-style: chr3-136464921-G-A. GRCh37 (hg19) VCF-style: chr3-136183763-G-A.
Other names: short protein forms R425C.
Identifiers: ClinVar variation 2894975 (VCV002894975.3), dbSNP rs2530623318, ClinGen allele CA354650753.

ClinVar aggregate classification (germline): Uncertain significance (1 of 4 stars; one submission).

Submission:

Labcorp Genetics (formerly Invitae), Labcorp
Classification: Uncertain significance. Last evaluated: 2023-09-28. Review status: criteria provided, single submitter. Criteria: Invitae Variant Classification Sherloc (09022015). Collection method: clinical testing. Allele origin: germline.
Comment: This sequence change replaces arginine, which is basic and polar, with cysteine, which is neutral and slightly polar, at codon 425 of the STAG1 protein (p.Arg425Cys). This variant is not present in population databases (gnomAD no frequency). This variant has not been reported in the literature in individuals affected with STAG1-related conditions. Advanced modeling of protein sequence and biophysical properties (such as structural, functional, and spatial information, amino acid conservation, physicochemical variation, residue mobility, and thermodynamic stability) performed at Invitae indicates that this missense variant is expected to disrupt STAG1 protein function. In summary, the available evidence is currently insufficient to determine the role of this variant in disease. Therefore, it has been classified as a Variant of Uncertain Significance.